The following is an entry in ClinVar:

ClinVar aggregate classification (germline): Pathogenic/Likely pathogenic. Review status: criteria provided, multiple submitters, no conflicts (2 of 4 stars). 2 submissions from 2 submitters: Pathogenic (1); Likely pathogenic (1). Last evaluated 2021-10-10.

Conditions:
Myelodysplastic syndrome progressed to acute myeloid leukemia.
Myelodysplastic syndrome (MDS). Also called: MYELODYSPLASTIC SYNDROME, SUSCEPTIBILITY TO; Myelodysplastic syndromes; Myelodysplastic syndrome, somatic. Identifiers: Orphanet 52688, MedGen C3463824, MeSH D009190, MONDO:0018881, OMIM 614286.

gnomAD v4.1: 36 of 1,613,842 alleles (0.0022%); highest among the groups gnomAD compares: East Asian, 0.0045%; no homozygotes.

Submissions (2):

Fulgent Genetics
Classification: Likely pathogenic for Myelodysplastic syndrome. Last evaluated: 2021-10-10. Review status: criteria provided, single submitter. Criteria: ACMG Guidelines, 2015. Collection method: clinical testing. Allele origin: unknown.

Hospital of the University of Pennsylvania, Center for Personalized Diagnostics
Classification: Pathogenic for Myelodysplastic syndrome progressed to acute myeloid leukemia. Last evaluated: 2016-01-08. Review status: criteria provided, single submitter. Criteria: Assertion_Criteria_HUP. Collection method: clinical testing. Allele origin: somatic. Affected: yes.
Comment: A mutation that is commonly seen in myelodysplasia with ring sideroblasts. It affects 3'-splice site recognition during pre-mRNA processing.

Literature cited by the submitters: PubMed 21995386 (cited by Hospital of the University of Pennsylvania, Center for Personalized Diagnostics); PubMed 21909114 (cited by Hospital of the University of Pennsylvania, Center for Personalized Diagnostics).

NM_012433.4(SF3B1):c.1998G>T (p.Lys666Asn)

Gene: SF3B1 (splicing factor 3b subunit 1; minus strand). Cytogenetic location: 2q33.1.
Variant type: single nucleotide variant.
Coding change: c.1998G>T on transcript NM_012433.4 (MANE Select); coding-DNA position 1998, G replaced by T.
Protein change: p.Lys666Asn; replaces lysine 666 with asparagine.
Molecular consequence: missense variant.
Genome position (GRCh38, 1-based): chr2:197,402,635, C>A on the plus strand (G>T on the coding strand, the complement: SF3B1 is on the minus strand). VCF-style: chr2-197402635-C-A. GRCh37 (hg19) VCF-style: chr2-198267359-C-A.
Other names: short protein forms K666N.
Identifiers: ClinVar variation 219098 (VCV000219098.3), dbSNP rs377023736, ClinGen allele CA280929.
Genomic context (GRCh38, chr2:197,402,635, plus strand): 5'-TAAACTTCTAAGATGTGGCAAGATGGCACAGCCCATAAGAATAGCTATCTGTTGTACAAT[C>A]TTAATACCAGTGTGTCTCGCTTGCCAGGACTTCTTGCTTTTGCACACAGCTTTTAAGAAG-3'
Protein context (NP_036565.2, residues 656-676): KSWQARHTGI[Lys666Asn]IVQQIAILMG